The following is an entry in ClinVar:

NM_018136.5(ASPM):c.6058A>G (p.Thr2020Ala)

Gene: ASPM (assembly factor for spindle microtubules; minus strand). Cytogenetic location: 1q31.3.
Variant type: single nucleotide variant.
Coding change: c.6058A>G on transcript NM_018136.5 (MANE Select); coding-DNA position 6058, A replaced by G.
Protein change: p.Thr2020Ala; replaces threonine 2020 with alanine.
Molecular consequence: missense variant. On other transcripts: intron variant (1).
Genome position (GRCh38, 1-based): chr1:197,103,193, T>C on the plus strand (A>G on the coding strand, the complement: ASPM is on the minus strand). VCF-style: chr1-197103193-T-C. GRCh37 (hg19) VCF-style: chr1-197072323-T-C.
Other names: c.4066-7029A>G (NM_001206846.2); short protein forms T2020A.
Identifiers: ClinVar variation 157847 (VCV000157847.11), dbSNP rs587783253, ClinGen allele CA271075.

ClinVar aggregate classification (germline): Uncertain significance. Review status: criteria provided, multiple submitters, no conflicts (2 of 4 stars). 3 submissions from 3 submitters: Uncertain significance (3). Last evaluated 2025-03-17.

Conditions:
Microcephaly 5, primary, autosomal recessive (MCPH5). Also called: ASPM Primary Microcephaly. Identifiers: Orphanet 2512, MedGen C1837501, MONDO:0012106, OMIM 608716.

Allele frequency attached by ClinVar (database versions not stated): gnomAD exomes 0.00001; TOPMed 0.00001; gnomAD 0.00002.
gnomAD v4.1: 10 of 1,612,564 alleles (0.00062%); highest among the groups gnomAD compares: Non-Finnish European, 0.00085%; no homozygotes.

Submissions (3):

Labcorp Genetics (formerly Invitae), Labcorp
Classification: Uncertain significance. Last evaluated: 2025-03-17. Review status: criteria provided, single submitter. Criteria: Invitae Variant Classification Sherloc (09022015). Collection method: clinical testing. Allele origin: germline.
Comment: This sequence change replaces threonine, which is neutral and polar, with alanine, which is neutral and non-polar, at codon 2020 of the ASPM protein (p.Thr2020Ala). This variant is not present in population databases (gnomAD no frequency). This missense change has been observed in individual(s) with microcephaly (PMID: 23611254). ClinVar contains an entry for this variant (Variation ID: 157847). Invitae Evidence Modeling of protein sequence and biophysical properties (such as structural, functional, and spatial information, amino acid conservation, physicochemical variation, residue mobility, and thermodynamic stability) indicates that this missense variant is not expected to disrupt ASPM protein function with a negative predictive value of 80%. In summary, the available evidence is currently insufficient to determine the role of this variant in disease. Therefore, it has been classified as a Variant of Uncertain Significance.

Genome-Nilou Lab
Classification: Uncertain significance for Microcephaly 5, primary, autosomal recessive. Last evaluated: 2023-04-11. Review status: criteria provided, single submitter. Criteria: ACMG Guidelines, 2015. Collection method: clinical testing. Allele origin: germline. Affected: no.

Genetic Services Laboratory, University of Chicago
Classification: Uncertain significance for Microcephaly 5, primary, autosomal recessive. Last evaluated: 2013-02-08. Review status: criteria provided, single submitter. Criteria: ACMG Guidelines, 2007. Collection method: clinical testing. Allele origin: germline. Inheritance: Autosomal recessive inheritance.

Literature cited by the submitters: PubMed 23611254 (cited by Labcorp Genetics (formerly Invitae), Labcorp).